The following is an entry in ClinVar:

ClinVar aggregate classification (germline): Benign/Likely benign. Review status: criteria provided, multiple submitters, no conflicts (2 of 4 stars). 2 submissions from 2 submitters: Benign (1); Likely benign (1). Last evaluated 2025-05-13.

Conditions:
Tuberous sclerosis 2 (TSC2). Identifiers: Orphanet 805, MedGen C1860707, MONDO:0013199, OMIM 613254.

Submissions (2):

Myriad Genetics, Inc.
Classification: Benign for Tuberous sclerosis 2. Last evaluated: 2025-05-13. Review status: criteria provided, single submitter. Criteria: Myriad Autosomal Dominant, Autosomal Recessive and X-Linked Classification Criteria (2023). Collection method: clinical testing. Allele origin: unknown.
Comment: This variant is considered benign. This variant is a silent/synonymous amino acid change and it is not expected to impact splicing.

Labcorp Genetics (formerly Invitae), Labcorp
Classification: Likely benign for Tuberous sclerosis 2. Last evaluated: 2020-02-19. Review status: criteria provided, single submitter. Criteria: Invitae Variant Classification Sherloc (09022015). Collection method: clinical testing. Allele origin: germline.

NM_000548.5(TSC2):c.1179G>A (p.Glu393=)

Gene: TSC2 (TSC complex subunit 2; plus strand). Cytogenetic location: 16p13.3.
Variant type: single nucleotide variant.
Coding change: c.1179G>A on transcript NM_000548.5 (MANE Select); coding-DNA position 1179, G replaced by A.
Protein change: p.Glu393=; no amino-acid change (glutamic acid 393 retained).
Molecular consequence: synonymous variant.
Genome position (GRCh38, 1-based): chr16:2,061,930, G>A. VCF-style: chr16-2061930-G-A. GRCh37 (hg19) VCF-style: chr16-2111931-G-A.
Other names: c.1179G>A, p.Glu393= (NM_001077183.3, NM_001114382.3, NM_001363528.2 and 3 more transcripts); c.1068G>A, p.Glu356= (NM_001318827.2); c.1032G>A, p.Glu344= (NM_001318829.2); c.579G>A, p.Glu193= (NM_001318831.2); c.1212G>A, p.Glu404= (NM_001318832.2).
Identifiers: ClinVar variation 1107765 (VCV001107765.10), dbSNP rs2151155465, ClinGen allele CA492961857.
Genomic context (GRCh38, chr16:2,061,930, plus strand): 5'-GACCTTGGACAGCCCGGAGCTCAGGACCATCGTCCATGACCTGTTGACCACGGTGGAGGA[G>A]CTGTGTGACCAGAACGAGTTCCACGGGTCTCAGGAGAGATACTTTGAACTGGTGGAGAGA-3'
Protein context (NP_000539.2, residues 383-403): IVHDLLTTVE[Glu393=]LCDQNEFHGS